The following is an entry in ClinVar:

ClinVar aggregate classification (germline): Uncertain significance. Review status: criteria provided, multiple submitters, no conflicts (2 of 4 stars). 2 submissions from 2 submitters: Uncertain significance (2). Last evaluated 2023-01-19.

Conditions:
Renal cell carcinoma. Identifiers: Orphanet 217071, MedGen C0007134, MeSH D002292, MONDO:0005086, HP:0005584.
Hereditary cancer-predisposing syndrome. Also called: Tumor predisposition; Hereditary neoplastic syndrome; Neoplastic Syndromes, Hereditary; Hereditary Cancer Syndrome. Identifiers: Orphanet 140162, MedGen C0027672, MeSH D009386, MONDO:0015356.

Submissions (2):

Ambry Genetics
Classification: Uncertain significance for Hereditary cancer-predisposing syndrome. Last evaluated: 2023-01-19. Review status: criteria provided, single submitter. Criteria: Ambry Variant Classification Scheme 2023. Collection method: clinical testing. Allele origin: germline.
Comment: The p.G780S variant (also known as c.2338G>A), located in coding exon 9 of the MET gene, results from a G to A substitution at nucleotide position 2338. The glycine at codon 780 is replaced by serine, an amino acid with similar properties. This amino acid position is conserved. In addition, this alteration is predicted to be tolerated by in silico analysis. Since supporting evidence is limited at this time, the clinical significance of this alteration remains unclear.

Labcorp Genetics (formerly Invitae), Labcorp
Classification: Uncertain significance for Renal cell carcinoma. Last evaluated: 2019-01-04. Review status: criteria provided, single submitter. Criteria: Invitae Variant Classification Sherloc (09022015). Collection method: clinical testing. Allele origin: germline.
Comment: In summary, the available evidence is currently insufficient to determine the role of this variant in disease. Therefore, it has been classified as a Variant of Uncertain Significance. Algorithms developed to predict the effect of missense changes on protein structure and function are either unavailable or do not agree on the potential impact of this missense change (SIFT: "Tolerated"; PolyPhen-2: "Possibly Damaging"; Align-GVGD: "Class C0"). This variant has not been reported in the literature in individuals with MET-related conditions. This variant is not present in population databases (ExAC no frequency). This sequence change replaces glycine with serine at codon 780 of the MET protein (p.Gly780Ser). The glycine residue is weakly conserved and there is a small physicochemical difference between glycine and serine.

NM_000245.4(MET):c.2284G>A (p.Gly762Ser)

Gene: MET (MET proto-oncogene, receptor tyrosine kinase; plus strand). Cytogenetic location: 7q31.2.
Variant type: single nucleotide variant.
Coding change: c.2284G>A on transcript NM_000245.4 (MANE Select); coding-DNA position 2284, G replaced by A.
Protein change: p.Gly762Ser; replaces glycine 762 with serine.
Molecular consequence: missense variant.
Genome position (GRCh38, 1-based): chr7:116,759,410, G>A. VCF-style: chr7-116759410-G-A. GRCh37 (hg19) VCF-style: chr7-116399464-G-A.
Other names: c.2338G>A, p.Gly780Ser (NM_001127500.3); c.2284G>A, p.Gly762Ser (NM_001324401.3); c.994G>A, p.Gly332Ser (NM_001324402.2); short protein forms G762S, G780S, G332S.
Identifiers: ClinVar variation 861942 (VCV000861942.11), dbSNP rs1794310272, ClinGen allele CA368982015.